The following is an entry in ClinVar:

NM_032520.5(GNPTG):c.556C>T (p.Arg186Trp)

Gene: GNPTG (N-acetylglucosamine-1-phosphate transferase subunit gamma; plus strand). Cytogenetic location: 16p13.3.
Variant type: single nucleotide variant.
Coding change: c.556C>T on transcript NM_032520.5 (MANE Select); coding-DNA position 556, C replaced by T.
Protein change: p.Arg186Trp; replaces arginine 186 with tryptophan.
Molecular consequence: missense variant.
Genome position (GRCh38, 1-based): chr16:1,362,481, C>T. VCF-style: chr16-1362481-C-T. GRCh37 (hg19) VCF-style: chr16-1412482-C-T.
Other names: short protein forms R186W.
Identifiers: ClinVar variation 1525381 (VCV001525381.7), dbSNP rs751880564, ClinGen allele CA394188153.

ClinVar aggregate classification (germline): Uncertain significance (1 of 4 stars; one submission).

gnomAD v4.1: 12 of 1,613,948 alleles (0.00074%); highest among the groups gnomAD compares: Admixed American, 0.0083%; no homozygotes.

Submission:

Labcorp Genetics (formerly Invitae), Labcorp
Classification: Uncertain significance. Last evaluated: 2024-10-08. Review status: criteria provided, single submitter. Criteria: Invitae Variant Classification Sherloc (09022015). Collection method: clinical testing. Allele origin: germline.
Comment: This sequence change replaces arginine, which is basic and polar, with tryptophan, which is neutral and slightly polar, at codon 186 of the GNPTG protein (p.Arg186Trp). This variant is present in population databases (no rsID available, gnomAD 0.01%). This variant has not been reported in the literature in individuals affected with GNPTG-related conditions. ClinVar contains an entry for this variant (Variation ID: 1525381). Invitae Evidence Modeling of protein sequence and biophysical properties (such as structural, functional, and spatial information, amino acid conservation, physicochemical variation, residue mobility, and thermodynamic stability) indicates that this missense variant is not expected to disrupt GNPTG protein function with a negative predictive value of 80%. In summary, the available evidence is currently insufficient to determine the role of this variant in disease. Therefore, it has been classified as a Variant of Uncertain Significance.